The following is an entry in ClinVar:

ClinVar aggregate classification (germline): Uncertain significance (1 of 4 stars; one submission).

Conditions:
Epilepsy. Also called: Seizure disorder. Identifiers: MedGen C0014544, MeSH D004827, MONDO:0005027.

Allele frequency attached by ClinVar (database versions not stated): gnomAD exomes 0.00002.

Submission:

Labcorp Genetics (formerly Invitae), Labcorp
Classification: Uncertain significance for Epilepsy. Last evaluated: 2017-12-04. Review status: criteria provided, single submitter. Criteria: Invitae Variant Classification Sherloc (09022015). Collection method: clinical testing. Allele origin: germline.
Comment: In summary, the available evidence is currently insufficient to determine the role of this variant in disease. Therefore, it has been classified as a Variant of Uncertain Significance. Nucleotide substitutions within the consensus splice site are a relatively common cause of aberrant splicing (PMID: 17576681, 9536098). Algorithms developed to predict the effect of sequence changes on RNA splicing suggest that this variant may disrupt the consensus splice site, but this prediction has not been confirmed by published transcriptional studies. Algorithms developed to predict the effect of missense changes on protein structure and function do not agree on the potential impact of this missense change (SIFT: "Tolerated"; PolyPhen-2: "Possibly Damaging"; Align-GVGD: "Class C0"). This variant has not been reported in the literature in individuals with PIGQ-related disease. This variant is not present in population databases (ExAC no frequency). This sequence change replaces arginine with glutamine at codon 230 of the PIGQ protein (p.Arg230Gln). The arginine residue is moderately conserved and there is a small physicochemical difference between arginine and glutamine. This variant also falls at the last nucleotide of exon 2 of the PIGQ coding sequence, which is part of the consensus splice site for this exon.

Literature cited by the submitters: PubMed 17576681; PubMed 9536098.

NM_004204.5(PIGQ):c.689G>A (p.Arg230Gln)

Gene: PIGQ (phosphatidylinositol glycan anchor biosynthesis class Q; plus strand). Cytogenetic location: 16p13.3.
Variant type: single nucleotide variant.
Coding change: c.689G>A on transcript NM_004204.5 (MANE Select); coding-DNA position 689, G replaced by A.
Protein change: p.Arg230Gln; replaces arginine 230 with glutamine.
Molecular consequence: missense variant.
Genome position (GRCh38, 1-based): chr16:574,763, G>A. VCF-style: chr16-574763-G-A. GRCh37 (hg19) VCF-style: chr16-624763-G-A.
Other names: c.689G>A, p.Arg230Gln (NM_148920.4); short protein forms R230Q.
Identifiers: ClinVar variation 526279 (VCV000526279.7), dbSNP rs1251694138, ClinGen allele CA394050403.